The following is an entry in ClinVar:

NM_014425.5(INVS):c.2116A>G (p.Arg706Gly)

Gene: INVS (inversin; plus strand). Cytogenetic location: 9q31.1.
Variant type: single nucleotide variant.
Coding change: c.2116A>G on transcript NM_014425.5 (MANE Select); coding-DNA position 2116, A replaced by G.
Protein change: p.Arg706Gly; replaces arginine 706 with glycine.
Molecular consequence: missense variant.
Genome position (GRCh38, 1-based): chr9:100,292,373, A>G. VCF-style: chr9-100292373-A-G. GRCh37 (hg19) VCF-style: chr9-103054655-A-G.
Other names: p.Arg706Gly; c.1828A>G, p.Arg610Gly (NM_001318381.2); c.1138A>G, p.Arg380Gly (NM_001318382.2); short protein forms R706G, R380G, R610G.
Identifiers: ClinVar variation 240910 (VCV000240910.19), dbSNP rs116222916, ClinGen allele CA5158566.

ClinVar aggregate classification (germline): Benign/Likely benign. Review status: criteria provided, multiple submitters, no conflicts (2 of 4 stars). 6 submissions from 6 submitters: Benign (2); Likely benign (4). Last evaluated 2026-02-01.

Conditions:
Nephronophthisis. Also called: Juvenile Nephronophthisis. Identifiers: Orphanet 655, MedGen C0687120, MONDO:0019005, HP:0000090.
Infantile nephronophthisis (NPHP2). Also called: Nephronophthisis 2; Nephronophthisis 2, infantile. Identifiers: Orphanet 655, Orphanet 93591, MedGen C1865872, MONDO:0011190, OMIM 602088.

Allele frequency attached by ClinVar (database versions not stated): gnomAD exomes 0.00036 and 0.00092; ExAC 0.00122; 1000 Genomes Project 30x 0.00312; 1000 Genomes Project 0.00319; gnomAD 0.00360 and 0.00384; TOPMed 0.00388; ESP Exome Variant Server 0.00415.

Submissions (6):

Labcorp Genetics (formerly Invitae), Labcorp
Classification: Benign for Nephronophthisis. Last evaluated: 2026-02-01. Review status: criteria provided, single submitter. Criteria: Invitae Variant Classification Sherloc (09022015). Collection method: clinical testing. Allele origin: germline.

Mayo Clinic Laboratories, Mayo Clinic
Classification: Likely benign. Last evaluated: 2025-04-26. Review status: criteria provided, single submitter. Criteria: ACMG Guidelines, 2015. Collection method: clinical testing. Allele origin: germline. Observed: 2 variant alleles.
Comment: BS1, BP4

Blueprint Genetics
Classification: Likely benign. Last evaluated: 2024-11-19. Review status: criteria provided, single submitter. Criteria: ACMG Guidelines, 2015. Collection method: clinical testing. Allele origin: germline.

Illumina Laboratory Services, Illumina
Classification: Likely benign for Infantile nephronophthisis. Last evaluated: 2018-01-13. Review status: criteria provided, single submitter. Criteria: ICSL Variant Classification Criteria 13 December 2019. Collection method: clinical testing. Allele origin: germline.
Comment: This variant was observed in the ICSL laboratory as part of a predisposition screen in an ostensibly healthy population. It had not been previously curated by ICSL or reported in the Human Gene Mutation Database (HGMD: prior to June 1st, 2018), and was therefore a candidate for classification through an automated scoring system. Utilizing variant allele frequency, disease prevalence and penetrance estimates, and inheritance mode, an automated score was calculated to assess if this variant is too frequent to cause the disease. Based on the score and internal cut-off values, a variant classified as likely benign is not then subjected to further curation. The score for this variant resulted in a classification of likely benign for this disease.

Breakthrough Genomics
Classification: Likely benign. Review status: criteria provided, single submitter. Criteria: ACMG Guidelines, 2015. Collection method: not provided. Allele origin: germline. Inheritance: Autosomal recessive inheritance. Affected: yes.

PreventionGenetics, part of Exact Sciences
Classification: Benign. Review status: criteria provided, single submitter. Criteria: ACMG Guidelines, 2015. Collection method: clinical testing. Allele origin: germline.

Literature cited by the submitters: PubMed 31308072 (cited by Mayo Clinic Laboratories, Mayo Clinic).